The following is an entry in ClinVar:

NM_001384140.1(PCDH15):c.2798G>A (p.Gly933Glu)

Gene: PCDH15 (protocadherin related 15; minus strand). Cytogenetic location: 10q21.1.
Variant type: single nucleotide variant.
Coding change: c.2798G>A on transcript NM_001384140.1 (MANE Select); coding-DNA position 2798, G replaced by A.
Protein change: p.Gly933Glu; replaces glycine 933 with glutamic acid.
Molecular consequence: missense variant.
Genome position (GRCh38, 1-based): chr10:53,995,719, C>T on the plus strand (G>A on the coding strand, the complement: PCDH15 is on the minus strand). VCF-style: chr10-53995719-C-T. GRCh37 (hg19) VCF-style: chr10-55755479-C-T.
Other names: c.2813G>A, p.Gly938Glu (NM_001142763.2, NM_001142771.2); c.2798G>A, p.Gly933Glu (NM_001142764.2, NM_001142766.2, NM_001142770.3 and 5 more transcripts); c.2585G>A, p.Gly862Glu (NM_001142765.2); c.2687G>A, p.Gly896Glu (NM_001142767.2); c.2732G>A, p.Gly911Glu (NM_001142768.2, NM_001142773.2, NM_001354404.2); c.2834G>A, p.Gly945Glu (NM_001142769.4); c.2819G>A, p.Gly940Glu (NM_001354411.2); short protein forms G862E, G896E, G940E, G945E, G933E, G938E, G911E.
Identifiers: ClinVar variation 1391658 (VCV001391658.7), dbSNP rs372984970, ClinGen allele CA207174066.
Genomic context (GRCh38, chr10:53,995,719, plus strand): 5'-GCATCTTCAGCATAAACTGTTGTGATAGGTGTACCCTTGACTGCATCCGGAGCCACCATC[C>T]CTTTGTATATTCGTTTACTAAAGACAGGAGGATAATCATTCATATCCTGTAAAACACAAT-3'
Protein context (NP_001371069.1, residues 923-943): PPVFSKRIYK[Gly933Glu]MVAPDAVKGT

ClinVar aggregate classification (germline): Uncertain significance. Review status: criteria provided, single submitter (1 of 4 stars). 2 submissions from 2 submitters: Uncertain significance (1). 1 of the submissions does not count toward it. Last evaluated 2025-03-31.

Conditions:
Usher syndrome type 1F (USH1F). Also called: USHER SYNDROME, TYPE IF. Identifiers: Orphanet 231169, Orphanet 886, MedGen C1865885, MONDO:0011186, OMIM 602083.

Allele frequency attached by ClinVar (database versions not stated): ESP Exome Variant Server 0.00008.

Submissions (2):

Labcorp Genetics (formerly Invitae), Labcorp
Classification: Uncertain significance. Last evaluated: 2025-03-31. Review status: criteria provided, single submitter. Criteria: Invitae Variant Classification Sherloc (09022015). Collection method: clinical testing. Allele origin: germline.
Comment: This sequence change replaces glycine, which is neutral and non-polar, with glutamic acid, which is acidic and polar, at codon 933 of the PCDH15 protein (p.Gly933Glu). This variant is not present in population databases (gnomAD no frequency). This variant has not been reported in the literature in individuals affected with PCDH15-related conditions. ClinVar contains an entry for this variant (Variation ID: 1391658). Invitae Evidence Modeling of protein sequence and biophysical properties (such as structural, functional, and spatial information, amino acid conservation, physicochemical variation, residue mobility, and thermodynamic stability) has been performed for this missense variant. However, the output from this modeling did not meet the statistical confidence thresholds required to predict the impact of this variant on PCDH15 protein function. In summary, the available evidence is currently insufficient to determine the role of this variant in disease. Therefore, it has been classified as a Variant of Uncertain Significance.

Natera, Inc.
Classification: Uncertain significance for Usher syndrome type 1F. Last evaluated: 2025-03-20. Review status: no assertion criteria provided. Collection method: clinical testing. Allele origin: germline. Not counted in ClinVar's aggregate classification.